The following is an entry in ClinVar:

NM_177438.3(DICER1):c.3436C>T (p.His1146Tyr)

Gene: DICER1 (dicer 1, ribonuclease III; minus strand). Cytogenetic location: 14q32.13.
Variant type: single nucleotide variant.
Coding change: c.3436C>T on transcript NM_177438.3 (MANE Select); coding-DNA position 3436, C replaced by T.
Protein change: p.His1146Tyr; replaces histidine 1146 with tyrosine.
Molecular consequence: missense variant. On other transcripts: non-coding transcript variant (6).
Genome position (GRCh38, 1-based): chr14:95,103,960, G>A on the plus strand (C>T on the coding strand, the complement: DICER1 is on the minus strand). VCF-style: chr14-95103960-G-A. GRCh37 (hg19) VCF-style: chr14-95570297-G-A.
Other names: c.3436C>T, p.His1146Tyr (NM_001195573.1, NM_001271282.3, NM_001291628.2 and 13 more transcripts); c.3154C>T, p.His1052Tyr (NM_001395686.1); c.3031C>T, p.His1011Tyr (NM_001395687.1, NM_001395688.1, NM_001395689.1 and 2 more transcripts); c.2869C>T, p.His957Tyr (NM_001395691.1); c.1753C>T, p.His585Tyr (NM_001395697.1); short protein forms H1011Y, H1052Y, H1146Y, H585Y, H957Y.
Identifiers: ClinVar variation 3229379 (VCV003229379.1), dbSNP rs1240541454, ClinGen allele CA390875448.
Genomic context (GRCh38, chr14:95,103,960, plus strand): 5'-CGTGGAGCTTACCAGGGGACTCGCTGAGCAACGTTCTGCAGTTCACAGACATTTGGTCAT[G>A]ATTTTCTAGAGAGGAGGTTCTATTAGCACCTTGATGTGCAGCATTTTCAGGGACAATTGT-3'
Protein context (NP_803187.1, residues 1136-1156): GANRTSSLEN[His1146Tyr]DQMSVNCRTL

ClinVar aggregate classification (germline): Uncertain significance (1 of 4 stars; one submission).

Conditions:
Hereditary cancer-predisposing syndrome. Also called: Neoplastic Syndromes, Hereditary; Tumor predisposition; Hereditary neoplastic syndrome; Hereditary Cancer Syndrome. Identifiers: Orphanet 140162, MedGen C0027672, MeSH D009386, MONDO:0015356.

Submission:

Ambry Genetics
Classification: Uncertain significance for Hereditary cancer-predisposing syndrome. Last evaluated: 2024-03-02. Review status: criteria provided, single submitter. Criteria: Ambry Variant Classification Scheme 2023. Collection method: clinical testing. Allele origin: germline.
Comment: The p.H1146Y variant (also known as c.3436C>T), located in coding exon 20 of the DICER1 gene, results from a C to T substitution at nucleotide position 3436. The histidine at codon 1146 is replaced by tyrosine, an amino acid with similar properties. This amino acid position is conserved. In addition, the in silico prediction for this alteration is inconclusive. Based on the available evidence, the clinical significance of this alteration remains unclear.